The following is an entry in ClinVar:

NM_144643.4(SCLT1):c.93A>G (p.Ser31=)

Gene: SCLT1 (sodium channel and clathrin linker 1; minus strand). Cytogenetic location: 4q28.2.
Variant type: single nucleotide variant.
Coding change: c.93A>G on transcript NM_144643.4 (MANE Select); coding-DNA position 93, A replaced by G.
Protein change: p.Ser31=; no amino-acid change (serine 31 retained).
Molecular consequence: synonymous variant.
Genome position (GRCh38, 1-based): chr4:129,082,315, T>C on the plus strand (A>G on the coding strand, the complement: SCLT1 is on the minus strand). VCF-style: chr4-129082315-T-C. GRCh37 (hg19) VCF-style: chr4-130003470-T-C.
Other names: c.93A>G, p.Ser31= (NM_001300897.2, NM_001300898.2); c.93A>G (NM_144643.3).
Identifiers: ClinVar variation 1668884 (VCV001668884.9), dbSNP rs748549158, ClinGen allele CA3080088.

ClinVar aggregate classification (germline): Likely benign. Review status: criteria provided, multiple submitters, no conflicts (2 of 4 stars). 2 submissions from 2 submitters: Likely benign (2). Last evaluated 2025-06-16.

Conditions:
SCLT1-related disorder. Also called: SCLT1-related condition.

Allele frequency attached by ClinVar (database versions not stated): ExAC 0.00001; gnomAD 0.00001; gnomAD exomes 0.00001 and 0.00002; TOPMed 0.00001.

Submissions (2):

PreventionGenetics, part of Exact Sciences
Classification: Likely benign for SCLT1-related condition. Last evaluated: 2025-06-16. Review status: criteria provided, single submitter. Criteria: ACMG Guidelines, 2015. Collection method: clinical testing. Allele origin: germline.
Comment: This variant is classified as likely benign based on ACMG/AMP sequence variant interpretation guidelines (Richards et al. 2015 PMID: 25741868, with internal and published modifications).

Labcorp Genetics (formerly Invitae), Labcorp
Classification: Likely benign. Last evaluated: 2023-05-08. Review status: criteria provided, single submitter. Criteria: Invitae Variant Classification Sherloc (09022015). Collection method: clinical testing. Allele origin: germline.